The following is an entry in ClinVar:

NM_000531.6(OTC):c.756A>C (p.Glu252Asp)

Gene: OTC (ornithine transcarbamylase; plus strand). Cytogenetic location: Xp11.4.
Variant type: single nucleotide variant.
Coding change: c.756A>C on transcript NM_000531.6 (MANE Select); coding-DNA position 756, A replaced by C.
Protein change: p.Glu252Asp; replaces glutamic acid 252 with aspartic acid.
Molecular consequence: missense variant.
Genome position (GRCh38, 1-based): chrX:38,408,914, A>C. VCF-style: chrX-38408914-A-C. GRCh37 (hg19) VCF-style: chrX-38268167-A-C.
Other names: c.756A>C, p.Glu252Asp (NM_001407092.1); short protein forms E252D.
Identifiers: ClinVar variation 3071402 (VCV003071402.1), dbSNP rs1324922661, ClinGen allele CA412722599.

ClinVar aggregate classification (germline): Uncertain significance (1 of 4 stars; one submission).

Conditions:
Ornithine carbamoyltransferase deficiency (OTCD). Also called: ORNITHINE TRANSCARBAMYLASE DEFICIENCY; ORNITHINE TRANSCARBAMYLASE DEFICIENCY, HYPERAMMONEMIA DUE TO; OTC DEFICIENCY; Ornithine Carbamoyltransferase Deficiency Disease. Identifiers: Orphanet 664, MedGen C0268542, MONDO:0010703, OMIM 311250.

Submission:

All of Us Research Program, National Institutes of Health
Classification: Uncertain significance for Ornithine carbamoyltransferase deficiency. Last evaluated: 2023-05-31. Review status: criteria provided, single submitter. Criteria: ACMG Guidelines, 2015. Collection method: clinical testing. Allele origin: germline. Inheritance: X-linked inheritance. Observed: 1 variant allele, 1 heterozygote.
Comment: This study involves interpretation of variants in research participants for the purpose of population health screening. Participant phenotype was not available at the time of variant classification. Additional details can be found in publication PMID: 35346344, PMCID: PMC8962531